The following is an entry in ClinVar:

NM_024649.5(BBS1):c.77C>T (p.Ala26Val)

Gene: BBS1 (Bardet-Biedl syndrome 1; plus strand). Cytogenetic location: 11q13.2.
Variant type: single nucleotide variant.
Coding change: c.77C>T on transcript NM_024649.5 (MANE Select); coding-DNA position 77, C replaced by T.
Protein change: p.Ala26Val; replaces alanine 26 with valine.
Molecular consequence: missense variant.
Genome position (GRCh38, 1-based): chr11:66,511,042, C>T. VCF-style: chr11-66511042-C-T. GRCh37 (hg19) VCF-style: chr11-66278513-C-T.
Other names: short protein forms A26V.
Identifiers: ClinVar variation 972671 (VCV000972671.9), dbSNP rs866558676, ClinGen allele CA224071421.
Genomic context (GRCh38, chr11:66,511,042, plus strand): 5'-CACTCCCCAACTGTCTTTCCCCCACTTCCAGCAATGAGGCCAATTCGAAGTGGTTGGATG[C>T]GCACTACGACCCAATGGCCAATATCCACACCTTTTCTGCCTGCCTAGGTGAGTCTCTGGA-3'
Protein context (NP_078925.3, residues 16-36): SNEANSKWLD[Ala26Val]HYDPMANIHT

ClinVar aggregate classification (germline): Uncertain significance. Review status: criteria provided, multiple submitters, no conflicts (2 of 4 stars). 4 submissions from 4 submitters: Uncertain significance (3). 1 of the submissions does not count toward it. Last evaluated 2025-03-18.

Conditions:
Bardet-Biedl syndrome (BBS). Identifiers: Orphanet 110, MedGen C0752166, MONDO:0015229.
Inborn genetic diseases. Identifiers: MedGen C0950123, MeSH D030342.
Bardet-Biedl syndrome 1 (BBS1). Identifiers: MedGen C2936862, MONDO:0008854, OMIM 209900. Disease mechanism: loss of function.

Allele frequency attached by ClinVar (database versions not stated): TOPMed 0.00002.
gnomAD v4.1: 1 of 1,614,150 alleles (0.000062%); no homozygotes.

Submissions (4):

Ambry Genetics
Classification: Uncertain significance for Inborn genetic diseases. Last evaluated: 2025-03-18. Review status: criteria provided, single submitter. Criteria: Ambry Variant Classification Scheme 2023. Collection method: clinical testing. Allele origin: germline.

Labcorp Genetics (formerly Invitae), Labcorp
Classification: Uncertain significance for Bardet-Biedl syndrome. Last evaluated: 2022-08-08. Review status: criteria provided, single submitter. Criteria: Invitae Variant Classification Sherloc (09022015). Collection method: clinical testing. Allele origin: germline.
Comment: This sequence change replaces alanine, which is neutral and non-polar, with valine, which is neutral and non-polar, at codon 26 of the BBS1 protein (p.Ala26Val). This variant is not present in population databases (gnomAD no frequency). This variant has not been reported in the literature in individuals affected with BBS1-related conditions. ClinVar contains an entry for this variant (Variation ID: 972671). Algorithms developed to predict the effect of missense changes on protein structure and function are either unavailable or do not agree on the potential impact of this missense change (SIFT: "Tolerated"; PolyPhen-2: "Possibly Damaging"; Align-GVGD: "Class C25"). In summary, the available evidence is currently insufficient to determine the role of this variant in disease. Therefore, it has been classified as a Variant of Uncertain Significance.

Fulgent Genetics
Classification: Uncertain significance for Bardet-Biedl syndrome 1. Last evaluated: 2022-01-21. Review status: criteria provided, single submitter. Criteria: ACMG Guidelines, 2015. Collection method: clinical testing. Allele origin: unknown.

Natera, Inc.
Classification: Uncertain significance for Bardet-Biedl syndrome type 1. Last evaluated: 2020-08-06. Review status: no assertion criteria provided. Collection method: clinical testing. Allele origin: germline. Not counted in ClinVar's aggregate classification.